The following is an entry in ClinVar:

NM_001127221.2(CACNA1A):c.5615G>C (p.Arg1872Thr)

Gene: CACNA1A (calcium voltage-gated channel subunit alpha1 A; minus strand). Cytogenetic location: 19p13.13.
Variant type: single nucleotide variant.
Coding change: c.5615G>C on transcript NM_001127221.2 (MANE Plus Clinical); coding-DNA position 5615, G replaced by C.
Protein change: p.Arg1872Thr; replaces arginine 1872 with threonine.
Molecular consequence: missense variant. On other transcripts: intron variant (4).
Genome position (GRCh38, 1-based): chr19:13,228,712, C>G on the plus strand (G>C on the coding strand, the complement: CACNA1A is on the minus strand). VCF-style: chr19-13228712-C-G. GRCh37 (hg19) VCF-style: chr19-13339526-C-G.
Other names: c.5529-1185G>C (NM_001127222.2); c.5538-1185G>C (NM_001174080.2); c.5547-1185G>C (NM_000068.4, NM_023035.3); short protein forms R1872T.
Identifiers: ClinVar variation 2946127 (VCV002946127.5), dbSNP rs2512610467, ClinGen allele CA404331437.

ClinVar aggregate classification (germline): Uncertain significance. Review status: criteria provided, multiple submitters, no conflicts (2 of 4 stars). 3 submissions from 3 submitters: Uncertain significance (3). Last evaluated 2024-12-30.

Conditions:
Episodic ataxia type 2 (EA2). Also called: CEREBELLAR ATAXIA, PAROXYSMAL, ACETAZOLAMIDE-RESPONSIVE; CEREBELLOPATHY, HEREDITARY PAROXYSMAL; EPISODIC ATAXIA, NYSTAGMUS-ASSOCIATED; ACETAZOLAMIDE-RESPONSIVE HEREDITARY PAROXYSMAL CEREBELLAR ATAXIA; ATAXIA, EPISODIC, WITH NYSTAGMUS; ATAXIA, FAMILIAL PAROXYSMAL. Identifiers: Orphanet 97, MedGen C1720416, MONDO:0007163, OMIM 108500.
Developmental and epileptic encephalopathy, 42 (DEE42A). Also called: Epileptic encephalopathy, early infantile, 42; DEVELOPMENTAL AND EPILEPTIC ENCEPHALOPATHY 42A; EPILEPTIC ENCEPHALOPATHY, EARLY INFANTILE, 42A. Identifiers: MedGen C4310716, MONDO:0014917, OMIM 617106.

Submissions (3):

Labcorp Genetics (formerly Invitae), Labcorp
Classification: Uncertain significance for Developmental and epileptic encephalopathy, 42; Episodic ataxia type 2. Last evaluated: 2024-12-30. Review status: criteria provided, single submitter. Criteria: Invitae Variant Classification Sherloc (09022015). Collection method: clinical testing. Allele origin: germline.
Comment: This sequence change replaces arginine, which is basic and polar, with threonine, which is neutral and polar, at codon 1872 of the CACNA1A protein (p.Arg1872Thr). This variant is not present in population databases (gnomAD no frequency). This variant has not been reported in the literature in individuals affected with CACNA1A-related conditions. ClinVar contains an entry for this variant (Variation ID: 2946127). Invitae Evidence Modeling of protein sequence and biophysical properties (such as structural, functional, and spatial information, amino acid conservation, physicochemical variation, residue mobility, and thermodynamic stability) indicates that this missense variant is not expected to disrupt CACNA1A protein function with a negative predictive value of 95%. In summary, the available evidence is currently insufficient to determine the role of this variant in disease. Therefore, it has been classified as a Variant of Uncertain Significance.

Revvity Omics, Revvity
Classification: Uncertain significance. Last evaluated: 2024-07-10. Review status: criteria provided, single submitter. Criteria: ACMG Guidelines, 2015. Collection method: clinical testing. Allele origin: germline.

GeneDx
Classification: Uncertain significance. Last evaluated: 2024-03-02. Review status: criteria provided, single submitter. Criteria: GeneDx Variant Classification Process June 2021. Collection method: clinical testing. Allele origin: germline. Affected: yes.
Comment: Not observed at significant frequency in large population cohorts (gnomAD); In silico analysis supports that this missense variant has a deleterious effect on protein structure/function; Has not been previously published as pathogenic or benign to our knowledge